The following is an entry in ClinVar:

NM_000540.3(RYR1):c.4514A>G (p.Gln1505Arg)

Gene: RYR1 (ryanodine receptor 1; plus strand). Cytogenetic location: 19q13.2.
Variant type: single nucleotide variant.
Coding change: c.4514A>G on transcript NM_000540.3 (MANE Select); coding-DNA position 4514, A replaced by G.
Protein change: p.Gln1505Arg; replaces glutamine 1505 with arginine.
Molecular consequence: missense variant.
Genome position (GRCh38, 1-based): chr19:38,478,494, A>G. VCF-style: chr19-38478494-A-G. GRCh37 (hg19) VCF-style: chr19-38969134-A-G.
Other names: c.4514A>G, p.Gln1505Arg (NM_001042723.2); short protein forms Q1505R.
Identifiers: ClinVar variation 3387713 (VCV003387713.1).

ClinVar aggregate classification (germline): Uncertain significance (1 of 4 stars; one submission).

Conditions:
Malignant hyperthermia, susceptibility to, 1 (MHS1). Also called: Anesthesia related hyperthermia; Malignant hyperpyrexia; Fulminating hyperpyrexia; Pharmacogenic myopathy; RYR1-Related Malignant Hyperthermia Susceptibility; Malignant hyperthermia suceptibility 1. Identifiers: Orphanet 423, MedGen C2930980, MONDO:0007783, OMIM 145600.

Submission:

All of Us Research Program, National Institutes of Health
Classification: Uncertain significance for Malignant hyperthermia, susceptibility to, 1. Last evaluated: 2024-04-25. Review status: criteria provided, single submitter. Criteria: ACMG Guidelines, 2015. Collection method: clinical testing. Allele origin: germline. Inheritance: Autosomal dominant inheritance. Observed: 1 variant allele, 1 heterozygote.
Comment: This missense variant replaces glutamine with arginine at codon 1505 of the RYR1 protein. Computational prediction suggests that this variant may not impact protein structure and function (internally defined REVEL score threshold <= 0.5, PMID: 27666373). To our knowledge, functional studies have not been reported for this variant. This variant has not been reported in individuals affected with RYR1-related disorders in the literature. This variant has not been identified in the general population by the Genome Aggregation Database (gnomAD). The available evidence is insufficient to determine the role of this variant in disease conclusively. Therefore, this variant is classified as a Variant of Uncertain Significance.

This study involves interpretation of variants in research participants for the purpose of population health screening. Participant phenotype was not available at the time of variant classification. Additional details can be found in publication PMID: 35346344, PMCID: PMC8962531